The following is an entry in ClinVar:

ClinVar aggregate classification (germline): Pathogenic (1 of 4 stars; one submission).

Conditions:
Primary ciliary dyskinesia. Also called: Ciliary dyskinesia. Identifiers: Orphanet 244, MedGen C0008780, MONDO:0016575, HP:0012265.

Submission:

Labcorp Genetics (formerly Invitae), Labcorp
Classification: Pathogenic for Primary ciliary dyskinesia. Last evaluated: 2025-10-05. Review status: criteria provided, single submitter. Criteria: Invitae Variant Classification Sherloc (09022015). Collection method: clinical testing. Allele origin: germline.
Comment: This sequence change creates a premature translational stop signal (p.Ser2259Argfs*19) in the DNAH8 gene. It is expected to result in an absent or disrupted protein product. Loss-of-function variants in DNAH8 are known to be pathogenic (PMID: 24307375, 32619401, 32681648). This variant is present in population databases (rs754547680, gnomAD 0.002%). This variant has not been reported in the literature in individuals affected with DNAH8-related conditions. ClinVar contains an entry for this variant (Variation ID: 2888503). For these reasons, this variant has been classified as Pathogenic.

Literature cited by the submitters: PubMed 24307375; PubMed 32619401; PubMed 32681648.

NM_001206927.2(DNAH8):c.6777_6778del (p.Ser2259fs)

Gene: DNAH8 (dynein axonemal heavy chain 8; plus strand). Cytogenetic location: 6p21.2.
Variant type: Deletion.
Coding change: c.6777_6778del on transcript NM_001206927.2 (MANE Select); coding-DNA positions 6777 to 6778, 2 bases deleted (TG; older notation c.6777_6778delTG).
Protein change: p.Ser2259fs; shifts the reading frame from serine 2259.
Molecular consequence: frameshift variant.
Genome position (GRCh38, 1-based): chr6:38,868,145-38,868,146, TG deleted; deleting any 2 consecutive bases within chr6:38,868,144-38,868,146 gives the same sequence; the c. name uses the placement nearest the transcript's 3' end. VCF-style (leftmost placement, unchanged base first): chr6-38868143-AGT-A. GRCh37 (hg19) VCF-style: chr6-38835919-AGT-A.
Other names: c.6126_6127del, p.Ser2042fs (NM_001371.4); short protein forms S2042fs, S2259fs.
Identifiers: ClinVar variation 2888503 (VCV002888503.3), dbSNP rs754547680, ClinGen allele CA3789756.